The following is an entry in ClinVar:

ClinVar aggregate classification (germline): Conflicting classifications of pathogenicity. Review status: criteria provided, conflicting classifications (1 of 4 stars). 4 submissions from 4 submitters: Likely pathogenic (1); Uncertain significance (2); Benign (1). Last evaluated 2026-07-06.

Conditions:
Familial hyperparathyroidism or Hypocalciuric hypercalcaemia.
Multiple endocrine neoplasia, type 1 (MEN1). Also called: MEN I; WERMER SYNDROME; Endocrine adenomatosis multiple; MEN 1; MEA I. Identifiers: Orphanet 652, MedGen C0025267, MeSH D018761, MONDO:0007540, OMIM 131100.
Hereditary cancer-predisposing syndrome. Also called: Neoplastic Syndromes, Hereditary; Hereditary Cancer Syndrome; Tumor predisposition; Hereditary neoplastic syndrome. Identifiers: Orphanet 140162, MedGen C0027672, MeSH D009386, MONDO:0015356.

Submissions (4):

Ambry Genetics
Classification: Uncertain significance for Hereditary cancer-predisposing syndrome. Last evaluated: 2026-07-06. Review status: criteria provided, single submitter. Criteria: Ambry Variant Classification Scheme 2023. Collection method: clinical testing. Allele origin: germline.
Comment: The c.1075_1077delGAG variant (also known as p.E359del) is located in coding exon 7 of the MEN1 gene. This variant results from an in-frame GAG deletion at nucleotide positions 1075 to 1077. This results in the in-frame deletion of a glutamic acid at codon 359. This variant was reported in individual(s) with features consistent with multiple endocrine neoplasia type 1 (MEN1) (Bassett JH et al. Am J Hum Genet, 1998 Feb;62:232-44; Shariq OA et al. Surgery, 2022 Jan;171:77-87). However, this variant has also been detected in multiple individuals with no reported features of MEN1 and did not segregate with disease in at least one family (Tsai GJ et al. Genet Med, 2019 Jun;21:1435-1442; Ambry internal data). This amino acid position is highly conserved in available vertebrate species. In addition, this variant is predicted to be deleterious by in silico analysis (Choi Y et al. PLoS ONE. 2012; 7(10):e46688). Based on the available evidence, the clinical significance of this variant remains unclear.

Cambridge Genomics Laboratory, East Genomic Laboratory Hub, NHS Genomic Medicine Service
Classification: Likely pathogenic for Familial hyperparathyroidism or Hypocalciuric hypercalcaemia. Last evaluated: 2026-06-04. Review status: criteria provided, single submitter. Criteria: ACGS Best Practice Guidelines for Variant Classification in Rare Disease 2020. Collection method: clinical testing. Allele origin: germline. Affected: yes.
Comment: PS4_Moderate,PM2_Supporting,PM4_Supporting,PP4_Moderate

Labcorp Genetics (formerly Invitae), Labcorp
Classification: Uncertain significance for Multiple endocrine neoplasia, type 1. Last evaluated: 2024-05-01. Review status: criteria provided, single submitter. Criteria: Invitae Variant Classification Sherloc (09022015). Collection method: clinical testing. Allele origin: germline.
Comment: This variant, c.1075_1077del, results in the deletion of 1 amino acid(s) of the MEN1 protein (p.Glu359del), but otherwise preserves the integrity of the reading frame. This variant is not present in population databases (gnomAD no frequency). This variant has been observed in individual(s) with parathyroid tumors and pancreatic gastrinoma (PMID: 9463336). ClinVar contains an entry for this variant (Variation ID: 403799). In summary, the available evidence is currently insufficient to determine the role of this variant in disease. Therefore, it has been classified as a Variant of Uncertain Significance.

University of Washington Department of Laboratory Medicine, University of Washington
Classification: Benign for Multiple endocrine neoplasia, type 1. Last evaluated: 2018-03-28. Review status: criteria provided, single submitter. Criteria: Tsai GJ et al. (Genet Med 2018). Collection method: research. Allele origin: germline. Inheritance: Autosomal dominant inheritance. Affected: yes.
Comment: The MEN1 variant designated as NM_130799.2:c.1075_1077del (p.Glu359del) is classified as benign. In one observed family, multiple family members with the variant are unaffected by the multiple endocrine neoplasia constellation of symptoms, while one individual with a MEN1-associated cancer does not have the variant. Cosegregation analysis of this same observed family was performed using an online resource (RaÃ±ola et al, 2018, PMID:28965303) and shows a likelihood ratio of 0.0001 to 1 that this allele explains cancer in the family (Thompson, et al., 2003, PMID:12900794). This likelihood ratio indicates strong evidence against pathogenicity as the variant does not co-segregate with reported multiple endocrine neoplasia symptoms in this family. Bayesian analysis integrating all of this data (Tavtigian et al, 2018, PMID: 29300386) gives a <0.1% probability of pathogenicity, which is consistent with a classification of benign. This variant is not predicted to alter MEN1 function or modify cancer risk. A modest (less than 2 fold) increase in cancer risk due to this variant cannot be entirely excluded. This reclassification analysis was performed in conjunction with the family studies project as part of the University of Washington Find My Variant Study.

Literature cited by the submitters: PubMed 30374176 (cited by Ambry Genetics); PubMed 34183184 (cited by Ambry Genetics); PubMed 9463336 (cited by Ambry Genetics and Labcorp Genetics (formerly Invitae), Labcorp).

NM_001370259.2(MEN1):c.1072GAG[1] (p.Glu359del)

Gene: MEN1 (menin 1; minus strand). Cytogenetic location: 11q13.1.
Variant type: Microsatellite.
Coding change: c.1072GAG[1] on transcript NM_001370259.2 (MANE Select); one copy of the 3-base unit GAG starting at c.1072; the reference has two copies in a row; one copy, 3 bases deleted.
Protein change: p.Glu359del; deletes glutamic acid 359.
Molecular consequence: inframe deletion.
Genome position (GRCh38, 1-based): chr11:64,805,743-64,805,745, CTC deleted on the plus strand (GAG on the coding strand, the reverse complement: MEN1 is on the minus strand); deleting any 3 consecutive bases within chr11:64,805,743-64,805,748 gives the same sequence; the position shown is the placement nearest the transcript's 3' end. VCF-style (leftmost placement, unchanged base first): chr11-64805742-TCTC-T. GRCh37 (hg19) VCF-style: chr11-64573214-TCTC-T.
Other names: c.1075_1077delGAG (NM_130799.2); c.1087GAG[1], p.Glu364del (NM_130801.3, NM_130802.3, NM_130803.3 and 3 more transcripts); c.1198GAG[1], p.Glu401del (NM_001370251.2); c.1072GAG[1], p.Glu359del (NM_001370260.2, NM_001370261.2, NM_130799.3); c.967GAG[1], p.Glu324del (NM_001370262.2, NM_001370263.2); short protein forms E364del, E359del, E324del, E401del.
Identifiers: ClinVar variation 403799 (VCV000403799.13), dbSNP rs1060499971, ClinGen allele CA16613681.
Genomic context (GRCh38, chr11:64,805,742, plus strand): 5'-CTGCCTCCTTCAGCAGGTTGGGGATGACATCATTGGCTACTTCAAAGAACTCCTTGTAGA[TCTC>T]CTCGTCTTCCCGGCAGTAGTTGTAGCTGTGAGAGCAGTGGGGTCTCTGTAGGGTCTGAAG-3'